The following is an entry in ClinVar:

NM_012282.4(KCNE5):c.55G>T (p.Glu19Ter)

Gene: KCNE5 (potassium voltage-gated channel subfamily E regulatory subunit 5; minus strand). Cytogenetic location: Xq23.
Variant type: single nucleotide variant.
Coding change: c.55G>T on transcript NM_012282.4 (MANE Select); coding-DNA position 55, G replaced by T.
Protein change: p.Glu19Ter; replaces glutamic acid 19 with a stop codon.
Molecular consequence: nonsense.
Genome position (GRCh38, 1-based): chrX:109,624,966, C>A on the plus strand (G>T on the coding strand, the complement: KCNE5 is on the minus strand). VCF-style: chrX-109624966-C-A. GRCh37 (hg19) VCF-style: chrX-108868195-C-A.
Other names: c.55G>T (NM_012282.3); short protein forms E19*.
Identifiers: ClinVar variation 581565 (VCV000581565.35), dbSNP rs374389286, ClinGen allele CA10490906.

ClinVar aggregate classification (germline): Conflicting classifications of pathogenicity. Review status: criteria provided, conflicting classifications (1 of 4 stars). 5 submissions from 5 submitters: Uncertain significance (1); Likely benign (1). 3 of the submissions do not count toward it. Last evaluated 2026-01-13.

Conditions:
Brugada syndrome. Also called: Sudden Unexplained Death Syndrome; Sudden Unexplained Nocturnal Death Syndrome (SUNDS); Sudden unexplained nocturnal death syndrome; Sudden unexpected nocturnal death syndrome. Identifiers: Orphanet 130, MedGen C1142166, MONDO:0015263.
KCNE5-related disorder. Also called: KCNE5-related condition.

Allele frequency attached by ClinVar (database versions not stated): TOPMed 0.00024; gnomAD 0.00028; ESP Exome Variant Server 0.00029.
gnomAD v4.1: 465 of 1,208,817 alleles (0.038%); highest among the groups gnomAD compares: Non-Finnish European, 0.049%; no homozygotes.

Submissions (5):

Labcorp Genetics (formerly Invitae), Labcorp
Classification: Uncertain significance for Brugada syndrome. Last evaluated: 2026-01-13. Review status: criteria provided, single submitter. Criteria: Invitae Variant Classification Sherloc (09022015). Collection method: clinical testing. Allele origin: germline.
Comment: This sequence change creates a premature translational stop signal (p.Glu19*) in the KCNE5 gene. While this is not anticipated to result in nonsense mediated decay, it is expected to disrupt the last 124 amino acid(s) of the KCNE5 protein. This variant is present in population databases (rs374389286, gnomAD 0.04%), and has an allele count higher than expected for a pathogenic variant. This variant has not been reported in the literature in individuals affected with KCNE5-related conditions. ClinVar contains an entry for this variant (Variation ID: 581565). In summary, the available evidence is currently insufficient to determine the role of this variant in disease. Therefore, it has been classified as a Variant of Uncertain Significance.

CeGaT Center for Human Genetics Tuebingen
Classification: Likely benign. Last evaluated: 2022-12-01. Review status: criteria provided, single submitter. Criteria: CeGaT Center For Human Genetics Tuebingen Variant Classification Criteria Version 2. Collection method: clinical testing. Allele origin: germline. Affected: yes. Observed: 1 variant allele.
Comment: KCNE5: BS2

PreventionGenetics, part of Exact Sciences
Classification: Likely benign for KCNE5-related condition. Last evaluated: 2024-09-20. Review status: no assertion criteria provided. Collection method: clinical testing. Allele origin: germline. Not counted in ClinVar's aggregate classification.
Comment: This variant is classified as likely benign based on ACMG/AMP sequence variant interpretation guidelines (Richards et al. 2015 PMID: 25741868, with internal and published modifications).

Clinical Genetics, Academic Medical Center
Classification: Uncertain significance. Review status: no assertion criteria provided. Collection method: clinical testing. Allele origin: germline. Affected: yes. Study: VKGL Data-share Consensus. Not counted in ClinVar's aggregate classification.

Diagnostic Laboratory, Department of Genetics, University Medical Center Groningen
Classification: Uncertain significance. Review status: no assertion criteria provided. Collection method: clinical testing. Allele origin: germline. Affected: yes. Study: VKGL Data-share Consensus. Not counted in ClinVar's aggregate classification.